The following is an entry in ClinVar:

ClinVar aggregate classification (germline): Uncertain significance (1 of 4 stars; one submission).

Conditions:
Amelocerebrohypohidrotic syndrome (KTZS). Also called: Kohlschutter's syndrome; EPILEPSY AND YELLOW TEETH; EPILEPSY, DEMENTIA, AND AMELOGENESIS IMPERFECTA; KOHLSCHUTTER SYNDROME. Identifiers: Orphanet 1946, MedGen C0406740, MONDO:0009185, OMIM 226750.

Allele frequency attached by ClinVar (database versions not stated): gnomAD exomes 0.00001.
gnomAD v4.1: 2 of 1,285,490 alleles (0.00016%); highest among the groups gnomAD compares: South Asian, 0.0022%; no homozygotes.

Submission:

Labcorp Genetics (formerly Invitae), Labcorp
Classification: Uncertain significance for Amelocerebrohypohidrotic syndrome. Last evaluated: 2020-04-06. Review status: criteria provided, single submitter. Criteria: Invitae Variant Classification Sherloc (09022015). Collection method: clinical testing. Allele origin: germline.
Comment: In summary, the available evidence is currently insufficient to determine the role of this variant in disease. Therefore, it has been classified as a Variant of Uncertain Significance. Algorithms developed to predict the effect of missense changes on protein structure and function output the following: SIFT: "Tolerated"; PolyPhen-2: "Not Available"; Align-GVGD: "Class C0". The threonine amino acid residue is found in multiple mammalian species, suggesting that this missense change does not adversely affect protein function. These predictions have not been confirmed by published functional studies and their clinical significance is uncertain. This variant has not been reported in the literature in individuals with ROGDI-related conditions. The frequency data for this variant in the population databases is considered unreliable, as metrics indicate insufficient coverage at this position in the ExAC database. This sequence change replaces alanine with threonine at codon 9 of the ROGDI protein (p.Ala9Thr). The alanine residue is weakly conserved and there is a small physicochemical difference between alanine and threonine.

NM_024589.3(ROGDI):c.25G>A (p.Ala9Thr)

Gene: ROGDI (rogdi atypical leucine zipper; minus strand). Cytogenetic location: 16p13.3.
Variant type: single nucleotide variant.
Coding change: c.25G>A on transcript NM_024589.3 (MANE Select); coding-DNA position 25, G replaced by A.
Protein change: p.Ala9Thr; replaces alanine 9 with threonine.
Molecular consequence: missense variant. On other transcripts: non-coding transcript variant (1).
Genome position (GRCh38, 1-based): chr16:4,802,547, C>T on the plus strand (G>A on the coding strand, the complement: ROGDI is on the minus strand). VCF-style: chr16-4802547-C-T. GRCh37 (hg19) VCF-style: chr16-4852548-C-T.
Other names: short protein forms A9T.
Identifiers: ClinVar variation 1052212 (VCV001052212.9), dbSNP rs2141915981, ClinGen allele CA394656871.